The following is an entry in ClinVar:

NM_003906.5(MCM3AP):c.80C>G (p.Ser27Cys)

Gene: MCM3AP (minichromosome maintenance complex component 3 associated protein; minus strand). Cytogenetic location: 21q22.3.
Variant type: single nucleotide variant.
Coding change: c.80C>G on transcript NM_003906.5 (MANE Select); coding-DNA position 80, C replaced by G.
Protein change: p.Ser27Cys; replaces serine 27 with cysteine.
Molecular consequence: missense variant.
Genome position (GRCh38, 1-based): chr21:46,285,207, G>C on the plus strand (C>G on the coding strand, the complement: MCM3AP is on the minus strand). VCF-style: chr21-46285207-G-C. GRCh37 (hg19) VCF-style: chr21-47705121-G-C.
Other names: short protein forms S27C.
Identifiers: ClinVar variation 1492599 (VCV001492599.8), dbSNP rs2081395724, ClinGen allele CA410538188.
Genomic context (GRCh38, chr21:46,285,207, plus strand): 5'-CCAGATAAGGTACTGTTTTGTCCAAAAAGAGAAGGTTGACCAAATCGAAATGGCGGCTTA[G>C]ATGGAAGTGTTCCTACATTACTAGAAGACGCCGAAAAAGCACTAGGCTGCTGCCCACTGA-3'
Protein context (NP_003897.2, residues 17-37): ASSSNVGTLP[Ser27Cys]KPPFRFGQPS

ClinVar aggregate classification (germline): Uncertain significance (1 of 4 stars; one submission).

Allele frequency attached by ClinVar (database versions not stated): TOPMed below 0.00001.

Submission:

Labcorp Genetics (formerly Invitae), Labcorp
Classification: Uncertain significance. Last evaluated: 2021-05-19. Review status: criteria provided, single submitter. Criteria: Invitae Variant Classification Sherloc (09022015). Collection method: clinical testing. Allele origin: germline.
Comment: In summary, the available evidence is currently insufficient to determine the role of this variant in disease. Therefore, it has been classified as a Variant of Uncertain Significance. Algorithms developed to predict the effect of sequence changes on RNA splicing suggest that this variant may create or strengthen a splice site, but this prediction has not been confirmed by published transcriptional studies. Algorithms developed to predict the effect of missense changes on protein structure and function are either unavailable or do not agree on the potential impact of this missense change (SIFT: "Deleterious"; PolyPhen-2: "Benign"; Align-GVGD: "Class C0"). This variant has not been reported in the literature in individuals with MCM3AP-related conditions. This variant is not present in population databases (ExAC no frequency). This sequence change replaces serine with cysteine at codon 27 of the MCM3AP protein (p.Ser27Cys). The serine residue is weakly conserved and there is a moderate physicochemical difference between serine and cysteine.